The following is an entry in ClinVar:

NM_004260.4(RECQL4):c.2540A>G (p.Gln847Arg)

Gene: RECQL4 (RecQ like helicase 4; minus strand). Cytogenetic location: 8q24.3.
Variant type: single nucleotide variant.
Coding change: c.2540A>G on transcript NM_004260.4 (MANE Select); coding-DNA position 2540, A replaced by G.
Protein change: p.Gln847Arg; replaces glutamine 847 with arginine.
Molecular consequence: missense variant.
Genome position (GRCh38, 1-based): chr8:144,513,062, T>C on the plus strand (A>G on the coding strand, the complement: RECQL4 is on the minus strand). VCF-style: chr8-144513062-T-C. GRCh37 (hg19) VCF-style: chr8-145738445-T-C.
Other names: short protein forms Q847R.
Identifiers: ClinVar variation 459410 (VCV000459410.5), dbSNP rs1320033045, ClinGen allele CA372677098.

ClinVar aggregate classification (germline): Uncertain significance (1 of 4 stars; one submission).

Conditions:
Baller-Gerold syndrome (BGS). Also called: CRANIOSYNOSTOSIS WITH RADIAL DEFECTS. Identifiers: Orphanet 1225, MedGen C0265308, MONDO:0009039, OMIM 218600.

Allele frequency attached by ClinVar (database versions not stated): gnomAD 0.00001; gnomAD exomes 0.00001; TOPMed 0.00001.
gnomAD v4.1: 20 of 1,575,076 alleles (0.0013%); highest among the groups gnomAD compares: Non-Finnish European, 0.0015%; no homozygotes.

Submission:

Labcorp Genetics (formerly Invitae), Labcorp
Classification: Uncertain significance for Baller-Gerold syndrome. Last evaluated: 2024-04-23. Review status: criteria provided, single submitter. Criteria: Invitae Variant Classification Sherloc (09022015). Collection method: clinical testing. Allele origin: germline.
Comment: This sequence change replaces glutamine, which is neutral and polar, with arginine, which is basic and polar, at codon 847 of the RECQL4 protein (p.Gln847Arg). This variant is present in population databases (no rsID available, gnomAD 0.002%). This variant has not been reported in the literature in individuals affected with RECQL4-related conditions. ClinVar contains an entry for this variant (Variation ID: 459410). Advanced modeling of protein sequence and biophysical properties (such as structural, functional, and spatial information, amino acid conservation, physicochemical variation, residue mobility, and thermodynamic stability) performed at Invitae indicates that this missense variant is not expected to disrupt RECQL4 protein function with a negative predictive value of 80%. Algorithms developed to predict the effect of sequence changes on RNA splicing suggest that this variant may create or strengthen a splice site. In summary, the available evidence is currently insufficient to determine the role of this variant in disease. Therefore, it has been classified as a Variant of Uncertain Significance.